The following is an entry in ClinVar:

ClinVar aggregate classification (germline): Uncertain significance (1 of 4 stars; one submission).

Conditions:
Inborn genetic diseases. Identifiers: MedGen C0950123, MeSH D030342.

Allele frequency attached by ClinVar (database versions not stated): ExAC 0.00001.

Submission:

Ambry Genetics
Classification: Uncertain significance for Inborn genetic diseases. Last evaluated: 2024-02-22. Review status: criteria provided, single submitter. Criteria: Ambry Variant Classification Scheme 2023. Collection method: clinical testing. Allele origin: germline.
Comment: The p.H1254Q variant (also known as c.3762C>G), located in coding exon 27 of the LRRK2 gene, results from a C to G substitution at nucleotide position 3762. The histidine at codon 1254 is replaced by glutamine, an amino acid with highly similar properties. This amino acid position is conserved. In addition, this alteration is predicted to be tolerated by in silico analysis. Since supporting evidence is limited at this time, the clinical significance of this alteration remains unclear.

NM_198578.4(LRRK2):c.3762C>G (p.His1254Gln)

Gene: LRRK2 (leucine rich repeat kinase 2; plus strand). Cytogenetic location: 12q12.
Variant type: single nucleotide variant.
Coding change: c.3762C>G on transcript NM_198578.4 (MANE Select); coding-DNA position 3762, C replaced by G.
Protein change: p.His1254Gln; replaces histidine 1254 with glutamine.
Molecular consequence: missense variant.
Genome position (GRCh38, 1-based): chr12:40,304,119, C>G. VCF-style: chr12-40304119-C-G. GRCh37 (hg19) VCF-style: chr12-40697921-C-G.
Other names: short protein forms H1254Q.
Identifiers: ClinVar variation 1734689 (VCV001734689.2), dbSNP rs758178908, ClinGen allele CA6513992.
Genomic context (GRCh38, chr12:40,304,119, plus strand): 5'-CTTGGACTTGAGTGAAAAAGCATATTTATGGTCTAGAGTAGAGAAACTGCATCTTTCTCA[C>G]AATAAACTGAAAGAGGTAAGACGATTATTGCCACTTAAAAAATATACTTTATGATTTGCA-3'
Protein context (NP_940980.4, residues 1244-1264): WSRVEKLHLS[His1254Gln]NKLKEIPPEI